The following is an entry in ClinVar:

ClinVar aggregate classification (germline): Conflicting classifications of pathogenicity. Review status: criteria provided, conflicting classifications (1 of 4 stars). 3 submissions from 3 submitters: Uncertain significance (1); Likely benign (2). Last evaluated 2025-03-19.

Conditions:
Early-infantile DEE. Also called: Early infantile epileptic encephalopathy with suppression bursts; Ohtahara syndrome; Early infantile epileptic encephalopathy. Identifiers: Orphanet 1934, MedGen C0393706, MONDO:0800491.
Developmental and epileptic encephalopathy, 5 (DEE5). Identifiers: Orphanet 3451, MedGen C3150731, MONDO:0013277, OMIM 613477.

Allele frequency attached by ClinVar (database versions not stated): ExAC 0.00002; gnomAD exomes 0.00004 and 0.00007; TOPMed 0.00006; gnomAD 0.00007 and 0.00008; ESP Exome Variant Server 0.00008.
gnomAD v4.1: 119 of 1,614,108 alleles (0.0074%); highest among the groups gnomAD compares: Non-Finnish European, 0.0098%; no homozygotes.

Submissions (3):

Labcorp Genetics (formerly Invitae), Labcorp
Classification: Uncertain significance for Early-infantile DEE. Last evaluated: 2025-03-19. Review status: criteria provided, single submitter. Criteria: Invitae Variant Classification Sherloc (09022015). Collection method: clinical testing. Allele origin: germline.
Comment: This sequence change replaces glutamic acid, which is acidic and polar, with aspartic acid, which is acidic and polar, at codon 1033 of the SPTAN1 protein (p.Glu1033Asp). This variant is present in population databases (rs374682395, gnomAD 0.01%). This variant has not been reported in the literature in individuals affected with SPTAN1-related conditions. ClinVar contains an entry for this variant (Variation ID: 381379). Invitae Evidence Modeling of protein sequence and biophysical properties (such as structural, functional, and spatial information, amino acid conservation, physicochemical variation, residue mobility, and thermodynamic stability) has been performed for this missense variant. However, the output from this modeling did not meet the statistical confidence thresholds required to predict the impact of this variant on SPTAN1 protein function. In summary, the available evidence is currently insufficient to determine the role of this variant in disease. Therefore, it has been classified as a Variant of Uncertain Significance.

Genome-Nilou Lab
Classification: Likely benign for Developmental and epileptic encephalopathy, 5. Last evaluated: 2021-07-15. Review status: criteria provided, single submitter. Criteria: ACMG Guidelines, 2015. Collection method: clinical testing. Allele origin: germline. Affected: no.

GeneDx
Classification: Likely benign. Last evaluated: 2019-03-04. Review status: criteria provided, single submitter. Criteria: GeneDx Variant Classification Process June 2021. Collection method: clinical testing. Allele origin: germline. Affected: yes.
Comment: This variant is associated with the following publications: (PMID: 28492532)

NM_001130438.3(SPTAN1):c.3099G>T (p.Glu1033Asp)

Gene: SPTAN1 (spectrin alpha, non-erythrocytic 1; plus strand). Cytogenetic location: 9q34.11.
Variant type: single nucleotide variant.
Coding change: c.3099G>T on transcript NM_001130438.3 (MANE Select); coding-DNA position 3099, G replaced by T.
Protein change: p.Glu1033Asp; replaces glutamic acid 1033 with aspartic acid.
Molecular consequence: missense variant.
Genome position (GRCh38, 1-based): chr9:128,591,569, G>T. VCF-style: chr9-128591569-G-T. GRCh37 (hg19) VCF-style: chr9-131353848-G-T.
Other names: c.3099G>T, p.Glu1033Asp (NM_001195532.2, NM_003127.4, NM_001363759.2 and 1 more transcripts); short protein forms E1033D.
Identifiers: ClinVar variation 381379 (VCV000381379.15), dbSNP rs374682395, ClinGen allele CA5264824.